The following is an entry in ClinVar:

ClinVar aggregate classification (germline): Uncertain significance (1 of 4 stars; one submission).

Submission:

Labcorp Genetics (formerly Invitae), Labcorp
Classification: Uncertain significance. Last evaluated: 2020-11-10. Review status: criteria provided, single submitter. Criteria: Invitae Variant Classification Sherloc (09022015). Collection method: clinical testing. Allele origin: germline.
Comment: This sequence change replaces isoleucine with serine at codon 1077 of the CEP250 protein (p.Ile1077Ser). The isoleucine residue is weakly conserved and there is a large physicochemical difference between isoleucine and serine. This variant is not present in population databases (ExAC no frequency). This variant has not been reported in the literature in individuals with CEP250-related conditions. Algorithms developed to predict the effect of missense changes on protein structure and function are either unavailable or do not agree on the potential impact of this missense change (SIFT: "Not Available"; PolyPhen-2: "Benign"; Align-GVGD: "Not Available"). In summary, the available evidence is currently insufficient to determine the role of this variant in disease. Therefore, it has been classified as a Variant of Uncertain Significance.

NM_007186.6(CEP250):c.3230T>G (p.Ile1077Ser)

Gene: CEP250 (centrosomal protein 250; plus strand). Cytogenetic location: 20q11.22.
Variant type: single nucleotide variant.
Coding change: c.3230T>G on transcript NM_007186.6 (MANE Select); coding-DNA position 3230, T replaced by G.
Protein change: p.Ile1077Ser; replaces isoleucine 1077 with serine.
Molecular consequence: missense variant.
Genome position (GRCh38, 1-based): chr20:35,496,639, T>G. VCF-style: chr20-35496639-T-G. GRCh37 (hg19) VCF-style: chr20-34084468-T-G.
Other names: c.1334T>G, p.Ile445Ser (NM_001318219.1); short protein forms I1077S, I445S.
Identifiers: ClinVar variation 1487912 (VCV001487912.6), dbSNP rs2147097528, ClinGen allele CA408742590.
Genomic context (GRCh38, chr20:35,496,639, plus strand): 5'-TGACTCTCTCACTGATGGAAAAGGAACAGAGACTCCTTGTTTTACAAGAAGCTGACTCTA[T>G]TCGACAACAAGAGCTGAGTGCCCTGCGCCAGGACATGCAGGAGGCCCAGGGAGAACAGAA-3'
Protein context (NP_009117.2, residues 1067-1087): RLLVLQEADS[Ile1077Ser]RQQELSALRQ